The following is an entry in ClinVar:

NM_006939.4(SOS2):c.1007T>A (p.Val336Asp)

Gene: SOS2 (SOS Ras/Rho guanine nucleotide exchange factor 2; minus strand). Cytogenetic location: 14q21.3.
Variant type: single nucleotide variant.
Coding change: c.1007T>A on transcript NM_006939.4 (MANE Select); coding-DNA position 1007, T replaced by A.
Protein change: p.Val336Asp; replaces valine 336 with aspartic acid.
Molecular consequence: missense variant. On other transcripts: intron variant (1).
Genome position (GRCh38, 1-based): chr14:50,174,515, A>T on the plus strand (T>A on the coding strand, the complement: SOS2 is on the minus strand). VCF-style: chr14-50174515-A-T. GRCh37 (hg19) VCF-style: chr14-50641233-A-T.
Other names: c.969+6057T>A (NM_001411020.1); short protein forms V336D.
Identifiers: ClinVar variation 4709552 (VCV004709552.1).

ClinVar aggregate classification (germline): Uncertain significance (1 of 4 stars; one submission).

Conditions:
Noonan syndrome 9 (NS9). Identifiers: Orphanet 648, MedGen C4225282, MONDO:0014691, OMIM 616559.

Submission:

Labcorp Genetics (formerly Invitae), Labcorp
Classification: Uncertain significance for Noonan syndrome 9. Last evaluated: 2025-11-21. Review status: criteria provided, single submitter. Criteria: Invitae Variant Classification Sherloc (09022015). Collection method: clinical testing. Allele origin: germline.
Comment: This sequence change replaces valine, which is neutral and non-polar, with aspartic acid, which is acidic and polar, at codon 336 of the SOS2 protein (p.Val336Asp). This variant is not present in population databases (gnomAD no frequency). This variant has not been reported in the literature in individuals affected with SOS2-related conditions. Invitae Evidence Modeling of protein sequence and biophysical properties (such as structural, functional, and spatial information, amino acid conservation, physicochemical variation, residue mobility, and thermodynamic stability) has been performed for this missense variant. However, the output from this modeling did not meet the statistical confidence thresholds required to predict the impact of this variant on SOS2 protein function. In summary, the available evidence is currently insufficient to determine the role of this variant in disease. Therefore, it has been classified as a Variant of Uncertain Significance.